The following is an entry in ClinVar:

ClinVar aggregate classification (germline): Benign/Likely benign. Review status: criteria provided, multiple submitters, no conflicts (2 of 4 stars). 3 submissions from 3 submitters: Benign (1); Likely benign (2). Last evaluated 2025-12-14.

Conditions:
Hereditary cancer-predisposing syndrome. Also called: Neoplastic Syndromes, Hereditary; Tumor predisposition; Hereditary Cancer Syndrome; Hereditary neoplastic syndrome. Identifiers: Orphanet 140162, MedGen C0027672, MeSH D009386, MONDO:0015356.
Familial cancer of breast. Also called: Hereditary breast cancer; BREAST CANCER, FAMILIAL; hereditary breast carcinoma. Identifiers: Orphanet 227535, MedGen C0346153, MONDO:0016419, OMIM 114480. Disease mechanism: loss of function.

Allele frequency attached by ClinVar (database versions not stated): gnomAD 0.00001.
gnomAD v4.1: 1 of 1,613,728 alleles (0.000062%); highest among the groups gnomAD compares: Non-Finnish European, 0.000085%; no homozygotes.

Submissions (3):

Labcorp Genetics (formerly Invitae), Labcorp
Classification: Likely benign for Familial cancer of breast. Last evaluated: 2025-12-14. Review status: criteria provided, single submitter. Criteria: Invitae Variant Classification Sherloc (09022015). Collection method: clinical testing. Allele origin: germline.

Myriad Genetics, Inc.
Classification: Benign for Familial cancer of breast. Last evaluated: 2024-10-03. Review status: criteria provided, single submitter. Criteria: Myriad Autosomal Dominant, Autosomal Recessive and X-Linked Classification Criteria (2023). Collection method: clinical testing. Allele origin: unknown.
Comment: This variant is considered benign. This variant is a silent/synonymous amino acid change and it is not expected to impact splicing.

Ambry Genetics
Classification: Likely benign for Hereditary cancer-predisposing syndrome. Last evaluated: 2021-10-29. Review status: criteria provided, single submitter. Criteria: Ambry Variant Classification Scheme 2023. Collection method: clinical testing. Allele origin: germline.

NM_007194.4(CHEK2):c.760A>C (p.Arg254=)

Gene: CHEK2 (checkpoint kinase 2; minus strand). Cytogenetic location: 22q12.1.
Variant type: single nucleotide variant.
Coding change: c.760A>C on transcript NM_007194.4 (MANE Select); coding-DNA position 760, A replaced by C.
Protein change: p.Arg254=; no amino-acid change (arginine 254 retained).
Molecular consequence: synonymous variant.
Genome position (GRCh38, 1-based): chr22:28,711,941, T>G on the plus strand (A>C on the coding strand, the complement: CHEK2 is on the minus strand). VCF-style: chr22-28711941-T-G. GRCh37 (hg19) VCF-style: chr22-29107929-T-G.
Other names: c.889A>C, p.Arg297= (NM_001005735.3); c.97A>C, p.Arg33= (NM_001257387.3); c.559A>C, p.Arg187= (NM_001349956.3); c.760A>C, p.Arg254= (NM_145862.3).
Identifiers: ClinVar variation 1759776 (VCV001759776.8), dbSNP rs1395878179, ClinGen allele CA513945174.